The following is an entry in ClinVar:

ClinVar aggregate classification (germline): Pathogenic. Review status: reviewed by expert panel (3 of 4 stars). 2 submissions from 2 submitters: Pathogenic (1). 1 of the submissions does not count toward it. Last evaluated 2016-10-18.

Conditions:
Breast-ovarian cancer, familial, susceptibility to, 2 (BROVCA2). Also called: BRCA2 Hereditary Breast and Ovarian Cancer. Identifiers: Orphanet 145, MedGen C2675520, MONDO:0012933, OMIM 612555. Disease mechanism: loss of function.

Submissions (2):

Evidence-based Network for the Interpretation of Germline Mutant Alleles (ENIGMA)
Classification: Pathogenic for Breast-ovarian cancer, familial, susceptibility to, 2. Last evaluated: 2016-10-18. Review status: reviewed by expert panel. Criteria: ENIGMA BRCA1/2 Classification Criteria (2015). Collection method: curation. Allele origin: germline.
Comment: Variant allele predicted to encode a truncated non-functional protein.

Consortium of Investigators of Modifiers of BRCA1/2 (CIMBA), c/o University of Cambridge
Classification: Pathogenic for Breast-ovarian cancer, familial, susceptibility to, 2. Last evaluated: 2015-10-02. Review status: criteria provided, single submitter. Criteria: CIMBA Mutation Classification guidelines May 2016. Collection method: clinical testing. Allele origin: germline. Not counted in ClinVar's aggregate classification.

NM_000059.4(BRCA2):c.9423del (p.Asp3142fs)

Gene: BRCA2 (BRCA2 DNA repair associated; plus strand). Cytogenetic location: 13q13.1.
Variant type: Deletion.
Coding change: c.9423del on transcript NM_000059.4 (MANE Select); coding-DNA position 9423, one base deleted (A; older notation c.9423delA).
Protein change: p.Asp3142fs; shifts the reading frame from aspartic acid 3142.
Molecular consequence: frameshift variant.
Genome position (GRCh38, 1-based): chr13:32,394,855, A deleted. VCF-style (leftmost placement, unchanged base first): chr13-32394854-GA-G. GRCh37 (hg19) VCF-style: chr13-32968991-GA-G.
Other names: 9651delA; short protein forms D3142fs.
Identifiers: ClinVar variation 267161 (VCV000267161.5), dbSNP rs886040840, ClinGen allele CA10589567.
Genomic context (GRCh38, chr13:32,394,854, plus strand): 5'-CTGCAAGCAACCTCCAGTGGCGACCAGAATCCAAATCAGGCCTTCTTACTTTATTTGCTG[GA>G]GATTTTTCTGTGTTTTCTGCTAGTCCAAAAGAGGGCCACTTTCAAGAGACATTCAACAAA-3'